The following is an entry in ClinVar:

NM_000059.4(BRCA2):c.5971G>A (p.Ala1991Thr)

Gene: BRCA2 (BRCA2 DNA repair associated; plus strand). Cytogenetic location: 13q13.1.
Variant type: single nucleotide variant.
Coding change: c.5971G>A on transcript NM_000059.4 (MANE Select); coding-DNA position 5971, G replaced by A.
Protein change: p.Ala1991Thr; replaces alanine 1991 with threonine.
Molecular consequence: missense variant.
Genome position (GRCh38, 1-based): chr13:32,340,326, G>A. VCF-style: chr13-32340326-G-A. GRCh37 (hg19) VCF-style: chr13-32914463-G-A.
Other names: short protein forms A1991T.
Identifiers: ClinVar variation 937695 (VCV000937695.12), dbSNP rs2072543048, ClinGen allele CA387787627.

ClinVar aggregate classification (germline): Conflicting classifications of pathogenicity. Review status: criteria provided, conflicting classifications (1 of 4 stars). 5 submissions from 5 submitters: Uncertain significance (3); Likely benign (2). Last evaluated 2025-12-03.

Conditions:
Hereditary cancer-predisposing syndrome. Also called: Hereditary neoplastic syndrome; Hereditary Cancer Syndrome; Neoplastic Syndromes, Hereditary; Tumor predisposition. Identifiers: Orphanet 140162, MedGen C0027672, MeSH D009386, MONDO:0015356.
Hereditary breast ovarian cancer syndrome. Also called: Hereditary breast and/or ovarian cancer syndrome; BRCA1- and BRCA2-Associated Hereditary Breast and Ovarian Cancer; Hereditary breast and ovarian cancer syndrome (HBOC); Breast and ovarian cancer; Hereditary breast and ovarian cancer syndrome; Hereditary breast and ovarian cancer. Identifiers: Orphanet 145, MedGen C0677776, MeSH D061325, MONDO:0003582. Disease mechanism: loss of function.

Submissions (5):

Labcorp Genetics (formerly Invitae), Labcorp
Classification: Uncertain significance for Hereditary breast ovarian cancer syndrome. Last evaluated: 2025-12-03. Review status: criteria provided, single submitter. Criteria: Invitae Variant Classification Sherloc (09022015). Collection method: clinical testing. Allele origin: germline.
Comment: This sequence change replaces alanine, which is neutral and non-polar, with threonine, which is neutral and polar, at codon 1991 of the BRCA2 protein (p.Ala1991Thr). This variant is not present in population databases (gnomAD no frequency). This missense change has been observed in individual(s) with personal or family history of breast and/or ovarian cancer (PMID: 31336956, 32438681). ClinVar contains an entry for this variant (Variation ID: 937695). Invitae Evidence Modeling of protein sequence and biophysical properties (such as structural, functional, and spatial information, amino acid conservation, physicochemical variation, residue mobility, and thermodynamic stability) indicates that this missense variant is not expected to disrupt BRCA2 protein function with a negative predictive value of 95%. In summary, the available evidence is currently insufficient to determine the role of this variant in disease. Therefore, it has been classified as a Variant of Uncertain Significance.

Women's Health and Genetics/Laboratory Corporation of America, LabCorp
Classification: Uncertain significance. Last evaluated: 2025-10-30. Review status: criteria provided, single submitter. Criteria: LabCorp Variant Classification Summary - May 2015. Collection method: clinical testing. Allele origin: germline.
Comment: Variant summary: BRCA2 c.5971G>A (p.Ala1991Thr) results in a non-conservative amino acid change in the encoded protein sequence. Algorithms developed to predict the effect of missense changes on protein structure and function are either unavailable or do not agree on the potential impact of this missense change. The variant was absent in 250622 control chromosomes. The available data on variant occurrences in the general population are insufficient to allow any conclusion about variant significance. c.5971G>A has been observed in individual(s) affected with Hereditary Breast And Ovarian Cancer Syndrome (examples: Concolino_2019, Santonocito_2020). These report(s) do not provide unequivocal conclusions about association of the variant with Hereditary Breast And Ovarian Cancer Syndrome. To our knowledge, no experimental evidence demonstrating an impact on protein function has been reported. The following publications have been ascertained in the context of this evaluation (PMID: 31336956, 32438681). ClinVar contains an entry for this variant (Variation ID: 937695). Based on the evidence outlined above, the variant was classified as uncertain significance.

Blueprint Genetics
Classification: Likely benign. Last evaluated: 2024-07-16. Review status: criteria provided, single submitter. Criteria: ACMG Guidelines, 2015. Collection method: clinical testing. Allele origin: germline.

Ambry Genetics
Classification: Uncertain significance for Hereditary cancer-predisposing syndrome. Last evaluated: 2023-11-15. Review status: criteria provided, single submitter. Criteria: Ambry Variant Classification Scheme 2023. Collection method: clinical testing. Allele origin: germline.
Comment: The p.A1991T variant (also known as c.5971G>A), located in coding exon 10 of the BRCA2 gene, results from a G to A substitution at nucleotide position 5971. The alanine at codon 1991 is replaced by threonine, an amino acid with similar properties. This variant was identified in 1 of 2351 breast and/or ovarian cancer patients undergoing BRCA1/2 genetic testing (Santonocito C et al. Cancers (Basel), 2020 May;12:). This amino acid position is not well conserved in available vertebrate species. In addition, this alteration is predicted to be tolerated by in silico analysis. Since supporting evidence is limited at this time, the clinical significance of this alteration remains unclear.

University of Washington Department of Laboratory Medicine, University of Washington
Classification: Likely benign for Hereditary cancer-predisposing syndrome. Last evaluated: 2023-03-23. Review status: criteria provided, single submitter. Criteria: Dines et al. (Genet Med. 2020). Collection method: curation. Allele origin: germline.
Comment: Missense variant in a coldspot region where missense variants are very unlikely to be pathogenic (PMID:31911673).

BRCA2 exon 11 coldspot. Reclassification based on statistical prior probability.

Literature cited by the submitters: PubMed 31336956 (cited by Labcorp Genetics (formerly Invitae), Labcorp and Women's Health and Genetics/Laboratory Corporation of America, LabCorp); PubMed 32438681 (cited by 3 submitters).